The following is an entry in ClinVar:

NM_001007553.3(CSDE1):c.1-1673T>G

Gene: CSDE1 (cold shock domain containing E1; minus strand). Cytogenetic location: 1p13.2.
Variant type: single nucleotide variant.
Coding change: c.1-1673T>G on transcript NM_001007553.3 (MANE Select); 1673 bases into the intron before coding-DNA position 1, T replaced by G.
Molecular consequence: intron variant. On other transcripts: synonymous variant (2).
Genome position (GRCh38, 1-based): chr1:114,741,563, A>C on the plus strand (T>G on the coding strand, the complement: CSDE1 is on the minus strand). VCF-style: chr1-114741563-A-C. GRCh37 (hg19) VCF-style: chr1-115284184-A-C.
Other names: c.102T>G, p.Thr34= (NM_001130523.3, NM_001242891.2); c.1-1673T>G (NM_001242893.2, NM_001242892.2, NM_007158.6).
Identifiers: ClinVar variation 5001726 (VCV005001726.1).

ClinVar aggregate classification (germline): Likely benign (1 of 4 stars; one submission).

Conditions:
CSDE1-related disorder. Also called: CSDE1-related condition.

Submission:

PreventionGenetics, part of Exact Sciences
Classification: Likely benign for CSDE1-related condition. Last evaluated: 2024-11-27. Review status: criteria provided, single submitter. Criteria: ACMG Guidelines, 2015. Collection method: clinical testing. Allele origin: germline.
Comment: This variant is classified as likely benign based on ACMG/AMP sequence variant interpretation guidelines (Richards et al. 2015 PMID: 25741868, with internal and published modifications).